The following is an entry in ClinVar:

ClinVar aggregate classification (germline): Uncertain significance. Review status: criteria provided, multiple submitters, no conflicts (2 of 4 stars). 5 submissions from 5 submitters: Uncertain significance (5). Last evaluated 2026-01-27.

Conditions:
Cardiovascular phenotype. Identifiers: MedGen CN230736.
Cardiomyopathy (CMYO). Also called: Cardiomyopathies. Identifiers: Orphanet 167848, MedGen C0878544, MONDO:0004994, HP:0001638. Inheritance: Various modes of inheritance.
Hypertrophic cardiomyopathy. Also called: HYPERTROPHIC MYOCARDIOPATHY. Identifiers: Orphanet 217569, MedGen C0007194, MeSH D002312, MONDO:0005045, HP:0001639.

Allele frequency attached by ClinVar (database versions not stated): gnomAD exomes below 0.00001 and 0.00001; ExAC 0.00001; gnomAD 0.00001; TOPMed 0.00001.

Submissions (5):

Labcorp Genetics (formerly Invitae), Labcorp
Classification: Uncertain significance for Hypertrophic cardiomyopathy. Last evaluated: 2026-01-27. Review status: criteria provided, single submitter. Criteria: Invitae Variant Classification Sherloc (09022015). Collection method: clinical testing. Allele origin: germline.
Comment: This sequence change replaces glutamine, which is neutral and polar, with proline, which is neutral and non-polar, at codon 55 of the TNNI3 protein (p.Gln55Pro). This variant is present in population databases (rs775512887, gnomAD 0.002%). This variant has not been reported in the literature in individuals affected with TNNI3-related conditions. ClinVar contains an entry for this variant (Variation ID: 580939). An algorithm developed to predict the effect of missense changes on protein structure and function (PolyPhen-2) suggests that this variant is likely to be disruptive. In summary, the available evidence is currently insufficient to determine the role of this variant in disease. Therefore, it has been classified as a Variant of Uncertain Significance.

Color Diagnostics, LLC DBA Color Health
Classification: Uncertain significance for Cardiomyopathy. Last evaluated: 2025-10-28. Review status: criteria provided, single submitter. Criteria: ACMG Guidelines, 2015. Collection method: clinical testing. Allele origin: germline.
Comment: This missense variant replaces glutamine with proline at codon 55 of the TNNI3 protein. Computational prediction suggests that this variant may have deleterious impact on protein structure and function. To our knowledge, functional studies have not been reported for this variant. This variant has not been reported in individuals affected with TNNI3-related disorders in the literature. This variant has been identified in 7/1609440 chromosomes in the general population by the Genome Aggregation Database (gnomAD). The available evidence is insufficient to determine the role of this variant in disease conclusively. Therefore, this variant is classified as a Variant of Uncertain Significance.

Ambry Genetics
Classification: Uncertain significance for Cardiovascular phenotype. Last evaluated: 2024-10-05. Review status: criteria provided, single submitter. Criteria: Ambry Variant Classification Scheme 2023. Collection method: clinical testing. Allele origin: germline.
Comment: The p.Q55P variant (also known as c.164A>C), located in coding exon 5 of the TNNI3 gene, results from an A to C substitution at nucleotide position 164. The glutamine at codon 55 is replaced by proline, an amino acid with similar properties. This amino acid position is well conserved in available vertebrate species. In addition, the in silico prediction for this alteration is inconclusive. Based on the available evidence, the clinical significance of this variant remains unclear.

Blueprint Genetics
Classification: Uncertain significance. Last evaluated: 2024-01-11. Review status: criteria provided, single submitter. Criteria: ACMG Guidelines, 2015. Collection method: clinical testing. Allele origin: germline.

All of Us Research Program, National Institutes of Health
Classification: Uncertain significance for Hypertrophic cardiomyopathy. Last evaluated: 2023-11-20. Review status: criteria provided, single submitter. Criteria: ACMG Guidelines, 2015. Collection method: clinical testing. Allele origin: germline. Inheritance: Autosomal dominant inheritance. Observed: 2 variant alleles, 2 heterozygotes.
Comment: Variant of Uncertain Significance due to insufficient evidence: This missense variant replaces glutamine with proline at codon 55 of the TNNI3 protein. Computational prediction tools and conservation analyses are inconclusive regarding the impact of this variant on the protein function. Computational splicing tools suggest that this variant may not impact RNA splicing. To our knowledge, functional assays have not been performed for this variant nor has this variant been reported in individuals affected with cardiovascular disorders in the literature. This variant has been identified in 2/230016 chromosomes in the general population by the Genome Aggregation Database (gnomAD). Available evidence is insufficient to determine the pathogenicity of this variant conclusively.

This study involves interpretation of variants in research participants for the purpose of population health screening. Participant phenotype was not available at the time of variant classification. Additional details can be found in publication PMID: 35346344, PMCID: PMC8962531

NM_000363.5(TNNI3):c.164A>C (p.Gln55Pro)

Gene: TNNI3 (troponin I3, cardiac type; minus strand). Cytogenetic location: 19q13.42.
Variant type: single nucleotide variant.
Coding change: c.164A>C on transcript NM_000363.5 (MANE Select); coding-DNA position 164, A replaced by C.
Protein change: p.Gln55Pro; replaces glutamine 55 with proline.
Molecular consequence: missense variant.
Genome position (GRCh38, 1-based): chr19:55,156,319, T>G on the plus strand (A>C on the coding strand, the complement: TNNI3 is on the minus strand). VCF-style: chr19-55156319-T-G. GRCh37 (hg19) VCF-style: chr19-55667687-T-G.
Other names: c.164A>C (LRG_432t1); short protein forms Q55P.
Identifiers: ClinVar variation 580939 (VCV000580939.15), dbSNP rs775512887, ClinGen allele CA050551.
Genomic context (GRCh38, chr19:55,156,319, plus strand): 5'-GCGCGCCCCTTCTCTCCGCGCCGCTCCTCCGCCTCTCGCTCCAGCTCTTGCTTTGCAATC[T>G]GCAGCAGCAGAGTCTGCAGAGGGGTGGGAGGGAAGCGCAGCCCACCCGGGGCTTCAGGAT-3'
Protein context (NP_000354.4, residues 45-65): RKLQLKTLLL[Gln55Pro]IAKQELEREA